The following is an entry in ClinVar:

NM_020975.6(RET):c.2776C>G (p.His926Asp)

Gene: RET (ret proto-oncogene; plus strand). Cytogenetic location: 10q11.21.
Variant type: single nucleotide variant.
Coding change: c.2776C>G on transcript NM_020975.6 (MANE Select); coding-DNA position 2776, C replaced by G.
Protein change: p.His926Asp; replaces histidine 926 with aspartic acid.
Molecular consequence: missense variant.
Genome position (GRCh38, 1-based): chr10:43,121,991, C>G. VCF-style: chr10-43121991-C-G. GRCh37 (hg19) VCF-style: chr10-43617439-C-G.
Other names: c.2512C>G, p.His838Asp (NM_001406768.1); c.2380C>G, p.His794Asp (NM_001406769.1, NM_001406772.1); c.2488C>G, p.His830Asp (NM_001406770.1, NM_001406766.1, NM_001406767.1); c.2338C>G, p.His780Asp (NM_001406771.1, NM_001406773.1); c.2251C>G, p.His751Asp (NM_001406774.1); c.2050C>G, p.His684Asp (NM_001406775.1, NM_001406776.1, NM_001406777.1 and 1 more transcripts); c.2776C>G, p.His926Asp (NM_000323.2, NM_001406743.1, NM_001406744.1 and 4 more transcripts); c.2014C>G, p.His672Asp (NM_001355216.2); and 10 more; short protein forms H926D, H672D, H627D, H684D, H838D, H531D, H582D, H584D.
Identifiers: ClinVar variation 216721 (VCV000216721.14), dbSNP rs774215008, ClinGen allele CA040885.

ClinVar aggregate classification (germline): Conflicting classifications of pathogenicity. Review status: criteria provided, conflicting classifications (1 of 4 stars). 6 submissions from 6 submitters: Uncertain significance (4); Likely benign (2). Last evaluated 2024-10-31.

Conditions:
Pheochromocytoma. Also called: MAX-Related Hereditary Paraganglioma-Pheochromocytoma Syndrome. Identifiers: Orphanet 29072, MedGen C0031511, MONDO:0008233, OMIM 171300, HP:0002666.
Hirschsprung disease, susceptibility to, 1 (HSCR1). Also called: RET-Related Hirschsprung Disease. Identifiers: Orphanet 388, MedGen C3888239, MONDO:0007723, OMIM 142623.
Familial medullary thyroid carcinoma (MTC). Also called: Thyroid cancer, familial medullary; MTC, familial; Familial Medullary Thyroid Carcinoma (FMTC). Identifiers: Orphanet 653, Orphanet 99361, MedGen C1833921, MONDO:0007958, OMIM 155240.
Multiple endocrine neoplasia type 2B. Also called: WAGENMANN-FROBOESE SYNDROME; MULTIPLE ENDOCRINE NEOPLASIA, TYPE III; MEN 2B; MUCOSAL NEUROMA SYNDROME; MULTIPLE ENDOCRINE NEOPLASIA, TYPE IIB; MEN IIB. Identifiers: Orphanet 247709, Orphanet 653, MedGen C0025269, MeSH D018814, MONDO:0008082, OMIM 162300.
Multiple endocrine neoplasia type 2A. Also called: MULTIPLE ENDOCRINE NEOPLASIA, TYPE IIA; PTC SYNDROME; SIPPLE SYNDROME; MEN 2A; MEN-2A syndrome; Pheochromocytoma and amyloid producing medullary thyroid carcinoma. Identifiers: Orphanet 247698, Orphanet 653, MedGen C0025268, MeSH D018813, MONDO:0008234, OMIM 171400.
Hereditary cancer-predisposing syndrome. Also called: Tumor predisposition; Hereditary neoplastic syndrome; Neoplastic Syndromes, Hereditary; Hereditary Cancer Syndrome. Identifiers: Orphanet 140162, MedGen C0027672, MeSH D009386, MONDO:0015356.
Multiple endocrine neoplasia, type 2 (MEN2). Identifiers: Orphanet 653, MedGen C4048306, MONDO:0019003. Disease mechanism: gain of function.

Allele frequency attached by ClinVar (database versions not stated): gnomAD 0.00001; TOPMed 0.00001.
gnomAD v4.1: 29 of 1,613,258 alleles (0.0018%); highest among the groups gnomAD compares: African/African-American, 0.0054%; no homozygotes.

Submissions (6):

Labcorp Genetics (formerly Invitae), Labcorp
Classification: Uncertain significance for Multiple endocrine neoplasia, type 2. Last evaluated: 2024-10-31. Review status: criteria provided, single submitter. Criteria: Invitae Variant Classification Sherloc (09022015). Collection method: clinical testing. Allele origin: germline.
Comment: This sequence change replaces histidine, which is basic and polar, with aspartic acid, which is acidic and polar, at codon 926 of the RET protein (p.His926Asp). This variant is present in population databases (rs774215008, gnomAD 0.01%). This variant has not been reported in the literature in individuals affected with RET-related conditions. ClinVar contains an entry for this variant (Variation ID: 216721). An algorithm developed to predict the effect of missense changes on protein structure and function (PolyPhen-2) suggests that this variant is likely to be disruptive. In summary, the available evidence is currently insufficient to determine the role of this variant in disease. Therefore, it has been classified as a Variant of Uncertain Significance.

Myriad Genetics, Inc.
Classification: Likely benign for Multiple endocrine neoplasia type 2A. Last evaluated: 2024-08-14. Review status: criteria provided, single submitter. Criteria: Myriad Autosomal Dominant, Autosomal Recessive and X-Linked Classification Criteria (2023). Collection method: clinical testing. Allele origin: unknown.
Comment: This variant is considered likely benign. This variant has been observed at a population frequency that is significantly greater than expected given the associated disease prevalence and penetrance.

GeneDx
Classification: Uncertain significance. Last evaluated: 2023-04-20. Review status: criteria provided, single submitter. Criteria: GeneDx Variant Classification Process June 2021. Collection method: clinical testing. Allele origin: germline. Affected: yes.
Comment: In silico analysis supports that this missense variant has a deleterious effect on protein structure/function; Has not been previously published as pathogenic or benign to our knowledge; This variant is associated with the following publications: (PMID: 14633923)

All of Us Research Program, National Institutes of Health
Classification: Uncertain significance for Multiple endocrine neoplasia, type 2. Last evaluated: 2023-02-24. Review status: criteria provided, single submitter. Criteria: ACMG Guidelines, 2015. Collection method: clinical testing. Allele origin: germline. Inheritance: Autosomal dominant inheritance. Observed: 1 variant allele, 1 heterozygote.
Comment: This missense variant replaces histidine with aspartic acid at codon 926 of the RET protein. Computational prediction is inconclusive regarding the impact of this variant on protein structure and function (internally defined REVEL score threshold 0.5 < inconclusive < 0.7, PMID: 27666373). To our knowledge, functional studies have not been reported for this variant. This variant has not been reported in individuals affected with RET-related disorders in the literature. This variant has been identified in 7/251480 chromosomes in the general population by the Genome Aggregation Database (gnomAD). The available evidence is insufficient to determine the role of this variant in disease conclusively. Therefore, this variant is classified as a Variant of Uncertain Significance.

This study involves interpretation of variants in research participants for the purpose of population health screening. Participant phenotype was not available at the time of variant classification. Additional details can be found in publication PMID: 35346344, PMCID: PMC8962531

Ambry Genetics
Classification: Likely benign for Hereditary cancer-predisposing syndrome. Last evaluated: 2021-10-15. Review status: criteria provided, single submitter. Criteria: Ambry Variant Classification Scheme 2023. Collection method: clinical testing. Allele origin: germline.

Fulgent Genetics
Classification: Uncertain significance for Hirschsprung disease, susceptibility to, 1; Familial medullary thyroid carcinoma; Multiple endocrine neoplasia type 2B; Pheochromocytoma; Multiple endocrine neoplasia type 2A. Last evaluated: 2021-08-07. Review status: criteria provided, single submitter. Criteria: ACMG Guidelines, 2015. Collection method: clinical testing. Allele origin: unknown.